The following is an entry in ClinVar:

NM_198578.4(LRRK2):c.1745T>C (p.Leu582Pro)

Gene: LRRK2 (leucine rich repeat kinase 2; plus strand). Cytogenetic location: 12q12.
Variant type: single nucleotide variant.
Coding change: c.1745T>C on transcript NM_198578.4 (MANE Select); coding-DNA position 1745, T replaced by C.
Protein change: p.Leu582Pro; replaces leucine 582 with proline.
Molecular consequence: missense variant.
Genome position (GRCh38, 1-based): chr12:40,274,671, T>C. VCF-style: chr12-40274671-T-C. GRCh37 (hg19) VCF-style: chr12-40668473-T-C.
Other names: short protein forms L582P.
Identifiers: ClinVar variation 1779286 (VCV001779286.3), dbSNP rs79299560, ClinGen allele CA6513445.
Genomic context (GRCh38, chr12:40,274,671, plus strand): 5'-GTGGATTAAAAGTAATTTCTTCTATTGTACATTTTCCTGATGCATTAGAGATGTTATCCC[T>C]GGAAGGTGCTATGGATTCAGTGCTTCACACACTGCAGATGTATCCAGATGACCAAGGTCA-3'
Protein context (NP_940980.4, residues 572-592): HFPDALEMLS[Leu582Pro]EGAMDSVLHT

ClinVar aggregate classification (germline): Uncertain significance (1 of 4 stars; one submission).

Conditions:
Inborn genetic diseases. Identifiers: MedGen C0950123, MeSH D030342.

Allele frequency attached by ClinVar (database versions not stated): gnomAD exomes below 0.00001; ExAC 0.00001; gnomAD 0.00001; 1000 Genomes Project 30x 0.00016; 1000 Genomes Project 0.00020.

Submission:

Ambry Genetics
Classification: Uncertain significance for Inborn genetic diseases. Last evaluated: 2024-05-29. Review status: criteria provided, single submitter. Criteria: Ambry Variant Classification Scheme 2023. Collection method: clinical testing. Allele origin: germline.
Comment: The p.L582P variant (also known as c.1745T>C), located in coding exon 15 of the LRRK2 gene, results from a T to C substitution at nucleotide position 1745. The leucine at codon 582 is replaced by proline, an amino acid with similar properties. This amino acid position is conserved. In addition, the in silico prediction for this alteration is inconclusive. Since supporting evidence is limited at this time, the clinical significance of this alteration remains unclear.